The following is an entry in ClinVar:

ClinVar aggregate classification (germline): Uncertain significance (1 of 4 stars; one submission).

Conditions:
Inborn genetic diseases. Identifiers: MedGen C0950123, MeSH D030342.

Submission:

Ambry Genetics
Classification: Uncertain significance for Inborn genetic diseases. Last evaluated: 2024-11-28. Review status: criteria provided, single submitter. Criteria: Ambry Variant Classification Scheme 2023. Collection method: clinical testing. Allele origin: germline.
Comment: The p.I327F variant (also known as c.979A>T), located in coding exon 9 of the CEP57 gene, results from an A to T substitution at nucleotide position 979. The isoleucine at codon 327 is replaced by phenylalanine, an amino acid with highly similar properties. This amino acid position is conserved. In addition, this alteration is predicted to be tolerated by in silico analysis. Based on the available evidence, the clinical significance of this variant remains unclear.

NM_014679.5(CEP57):c.979A>T (p.Ile327Phe)

Gene: CEP57 (centrosomal protein 57; plus strand). Cytogenetic location: 11q21.
Variant type: single nucleotide variant.
Coding change: c.979A>T on transcript NM_014679.5 (MANE Select); coding-DNA position 979, A replaced by T.
Protein change: p.Ile327Phe; replaces isoleucine 327 with phenylalanine.
Molecular consequence: missense variant.
Genome position (GRCh38, 1-based): chr11:95,827,879, A>T. VCF-style: chr11-95827879-A-T. GRCh37 (hg19) VCF-style: chr11-95561043-A-T.
Other names: c.952A>T, p.Ile318Phe (NM_001243776.2); c.901A>T, p.Ile301Phe (NM_001243777.2); c.898A>T, p.Ile300Phe (NM_001363604.2); short protein forms I327F, I318F, I300F, I301F.
Identifiers: ClinVar variation 3490845 (VCV003490845.1).